The following is an entry in ClinVar:

ClinVar aggregate classification (germline): Pathogenic (1 of 4 stars; one submission).

Conditions:
Muscular dystrophy. Identifiers: Orphanet 98473, MedGen C0026850, MeSH D009136, MONDO:0020121, HP:0003560.

Submission:

Dubai Health Genomic Medicine Center, Dubai Health
Classification: Pathogenic for Muscular dystrophy. Last evaluated: 2024-10-04. Review status: criteria provided, single submitter. Criteria: ACMG Guidelines, 2015. Collection method: research. Allele origin: germline. Affected: yes.
Comment: PVS1, PM2, PP4

NM_000023.4(SGCA):c.920del (p.Leu307fs)

Gene: SGCA (sarcoglycan alpha; plus strand). Cytogenetic location: 17q21.33.
Variant type: Deletion.
Coding change: c.920del on transcript NM_000023.4 (MANE Select); coding-DNA position 920, one base deleted (T; older notation c.920delT).
Protein change: p.Leu307fs; shifts the reading frame from leucine 307.
Molecular consequence: frameshift variant. On other transcripts: intron variant (1).
Genome position (GRCh38, 1-based): chr17:50,170,315, T deleted. VCF-style (leftmost placement, unchanged base first): chr17-50170314-CT-C. GRCh37 (hg19) VCF-style: chr17-48247675-CT-C.
Other names: c.585-325del (NM_001135697.3); short protein forms L307fs.
Identifiers: ClinVar variation 3384024 (VCV003384024.1).
Genomic context (GRCh38, chr17:50,170,314, plus strand): 5'-TTGGTGGATGCTCTGGTCACCCTCCTGGTGCCCCTGCTGGTGGCCCTGCTTCTCACCTTG[CT>C]GCTGGCCTATGTCATGTGCTGCCGGCGGGAGGGAAGGTGAATGTGGGCATGAAGGGCGGG-3'